The following is an entry in ClinVar:

ClinVar aggregate classification (germline): Uncertain significance (1 of 4 stars; one submission).

Submission:

Labcorp Genetics (formerly Invitae), Labcorp
Classification: Uncertain significance. Last evaluated: 2022-02-20. Review status: criteria provided, single submitter. Criteria: Invitae Variant Classification Sherloc (09022015). Collection method: clinical testing. Allele origin: germline.
Comment: This variant is not present in population databases (gnomAD no frequency). In summary, the available evidence is currently insufficient to determine the role of this variant in disease. Therefore, it has been classified as a Variant of Uncertain Significance. Algorithms developed to predict the effect of missense changes on protein structure and function are either unavailable or do not agree on the potential impact of this missense change (SIFT: "Tolerated"; PolyPhen-2: "Possibly Damaging"; Align-GVGD: "Class C0"). This variant has not been reported in the literature in individuals affected with GALNT12-related conditions. This sequence change replaces glutamine, which is neutral and polar, with proline, which is neutral and non-polar, at codon 473 of the GALNT12 protein (p.Gln473Pro).

NM_024642.5(GALNT12):c.1418A>C (p.Gln473Pro)

Gene: GALNT12 (polypeptide N-acetylgalactosaminyltransferase 12; plus strand). Cytogenetic location: 9q22.33.
Variant type: single nucleotide variant.
Coding change: c.1418A>C on transcript NM_024642.5 (MANE Select); coding-DNA position 1418, A replaced by C.
Protein change: p.Gln473Pro; replaces glutamine 473 with proline.
Molecular consequence: missense variant.
Genome position (GRCh38, 1-based): chr9:98,844,169, A>C. VCF-style: chr9-98844169-A-C. GRCh37 (hg19) VCF-style: chr9-101606451-A-C.
Other names: short protein forms Q473P.
Identifiers: ClinVar variation 1924544 (VCV001924544.5), dbSNP rs757485456, ClinGen allele CA374221477.
Genomic context (GRCh38, chr9:98,844,169, plus strand): 5'-GACTAACAGACTACTGCTTTGACTATAACCCTCCCGATGAAAACCAGATTGTGGGACACC[A>C]GGTCATTCTGTACCTCTGTCATGGGATGGGCCAGAATCAGGTAGGTATGAGCCTCAAAAG-3'
Protein context (NP_078918.3, residues 463-483): PPDENQIVGH[Gln473Pro]VILYLCHGMG